The following is an entry in ClinVar:

NM_015272.5(RPGRIP1L):c.883-2A>G

Gene: RPGRIP1L (RPGRIP1 like; minus strand). Cytogenetic location: 16q12.2.
Variant type: single nucleotide variant.
Coding change: c.883-2A>G on transcript NM_015272.5 (MANE Select); the canonical splice acceptor site of the intron before coding-DNA position 883, A replaced by G.
Molecular consequence: splice acceptor variant.
Genome position (GRCh38, 1-based): chr16:53,673,018, T>C on the plus strand (A>G on the coding strand, the complement: RPGRIP1L is on the minus strand). VCF-style: chr16-53673018-T-C. GRCh37 (hg19) VCF-style: chr16-53706930-T-C.
Other names: c.883-2A>G (NM_001127897.4, NM_001330538.2, NM_001308334.3).
Identifiers: ClinVar variation 662335 (VCV000662335.7), dbSNP rs1598375731, ClinGen allele CA395923067.
Genomic context (GRCh38, chr16:53,673,018, plus strand): 5'-TTTAATTCATCCCCATTTGCCATCAAAGCATCGTGGCTGATTCTGAGAGTTCTTTGCTTC[T>C]AAAAGATAAAAAGAACATCTTTCAAACATTATTTTTGACTAAATGATTAAATTTGACTAA-3'

ClinVar aggregate classification (germline): Likely pathogenic (1 of 4 stars; one submission).

Conditions:
Meckel-Gruber syndrome. Also called: Dysencephalia splachnocystica; DYSENCEPHALIA SPLANCHNOCYSTICA; GRUBER SYNDROME. Identifiers: Orphanet 564, MedGen C0265215, MONDO:0018921.
Joubert syndrome. Also called: Familial aplasia of the vermis; CEREBELLOPARENCHYMAL DISORDER IV; JOUBERT-BOLTSHAUSER SYNDROME. Identifiers: Orphanet 475, MedGen C5979921, MONDO:0018772.

Submission:

Labcorp Genetics (formerly Invitae), Labcorp
Classification: Likely pathogenic for Joubert syndrome; Meckel-Gruber syndrome. Last evaluated: 2022-09-08. Review status: criteria provided, single submitter. Criteria: Invitae Variant Classification Sherloc (09022015). Collection method: clinical testing. Allele origin: germline.
Comment: Algorithms developed to predict the effect of sequence changes on RNA splicing suggest that this variant may disrupt the consensus splice site. ClinVar contains an entry for this variant (Variation ID: 662335). This variant has not been reported in the literature in individuals affected with RPGRIP1L-related conditions. This variant is not present in population databases (gnomAD no frequency). This sequence change affects an acceptor splice site in intron 7 of the RPGRIP1L gene. It is expected to disrupt RNA splicing. Variants that disrupt the donor or acceptor splice site typically lead to a loss of protein function (PMID: 16199547), and loss-of-function variants in RPGRIP1L are known to be pathogenic (PMID: 17558409). In summary, the currently available evidence indicates that the variant is pathogenic, but additional data are needed to prove that conclusively. Therefore, this variant has been classified as Likely Pathogenic.

Literature cited by the submitters: PubMed 16199547; PubMed 17558409.